The following is an entry in ClinVar:

ClinVar aggregate classification (germline): Uncertain significance (1 of 4 stars; one submission).

Conditions:
Hereditary cancer-predisposing syndrome. Also called: Neoplastic Syndromes, Hereditary; Tumor predisposition; Hereditary neoplastic syndrome; Hereditary Cancer Syndrome. Identifiers: Orphanet 140162, MedGen C0027672, MeSH D009386, MONDO:0015356.

Submission:

Ambry Genetics
Classification: Uncertain significance for Hereditary cancer-predisposing syndrome. Last evaluated: 2026-07-06. Review status: criteria provided, single submitter. Criteria: Ambry Variant Classification Scheme 2023. Collection method: clinical testing. Allele origin: germline.
Comment: The p.R118G variant (also known as c.352A>G), located in coding exon 1 of the AXIN2 gene, results from an A to G substitution at nucleotide position 352. The arginine at codon 118 is replaced by glycine, an amino acid with dissimilar properties. This amino acid position is conserved. In addition, the in silico prediction for this alteration is inconclusive. Based on the available evidence, the clinical significance of this variant remains unclear.

NM_004655.4(AXIN2):c.352A>G (p.Arg118Gly)

Gene: AXIN2 (axin 2; minus strand). Cytogenetic location: 17q24.1.
Variant type: single nucleotide variant.
Coding change: c.352A>G on transcript NM_004655.4 (MANE Select); coding-DNA position 352, A replaced by G.
Protein change: p.Arg118Gly; replaces arginine 118 with glycine.
Molecular consequence: missense variant.
Genome position (GRCh38, 1-based): chr17:65,558,269, T>C on the plus strand (A>G on the coding strand, the complement: AXIN2 is on the minus strand). VCF-style: chr17-65558269-T-C. GRCh37 (hg19) VCF-style: chr17-63554387-T-C.
Other names: c.352A>G, p.Arg118Gly (NM_001363813.1); short protein forms R118G.
Identifiers: ClinVar variation 5032554 (VCV005032554.1).